The following is an entry in ClinVar:

ClinVar aggregate classification (germline): Uncertain significance. Review status: criteria provided, multiple submitters, no conflicts (2 of 4 stars). 3 submissions from 3 submitters: Uncertain significance (3). Last evaluated 2026-07-28.

Conditions:
Inborn genetic diseases. Identifiers: MedGen C0950123, MeSH D030342.

Allele frequency attached by ClinVar (database versions not stated): ExAC 0.00002; gnomAD 0.00002 and 0.00003; gnomAD exomes 0.00002; ESP Exome Variant Server 0.00008.
gnomAD v4.1: 21 of 1,614,064 alleles (0.0013%); highest among the groups gnomAD compares: East Asian, 0.0067%; no homozygotes.

Submissions (3):

GeneDx
Classification: Uncertain significance. Last evaluated: 2026-07-28. Review status: criteria provided, single submitter. Criteria: GeneDx Variant Classification Process June 2021. Collection method: clinical testing. Allele origin: germline.
Comment: In silico analysis supports that this missense variant has a deleterious effect on protein structure/function; Has not been previously published as pathogenic or benign to our knowledge

Labcorp Genetics (formerly Invitae), Labcorp
Classification: Uncertain significance. Last evaluated: 2025-11-23. Review status: criteria provided, single submitter. Criteria: Invitae Variant Classification Sherloc (09022015). Collection method: clinical testing. Allele origin: germline.
Comment: This sequence change replaces glutamic acid, which is acidic and polar, with lysine, which is basic and polar, at codon 2183 of the MYO7A protein (p.Glu2183Lys). This variant is present in population databases (rs373761833, gnomAD 0.01%). This variant has not been reported in the literature in individuals affected with MYO7A-related conditions. ClinVar contains an entry for this variant (Variation ID: 1441925). Invitae Evidence Modeling of protein sequence and biophysical properties (such as structural, functional, and spatial information, amino acid conservation, physicochemical variation, residue mobility, and thermodynamic stability) indicates that this missense variant is not expected to disrupt MYO7A protein function with a negative predictive value of 95%. In summary, the available evidence is currently insufficient to determine the role of this variant in disease. Therefore, it has been classified as a Variant of Uncertain Significance.

Ambry Genetics
Classification: Uncertain significance for Inborn genetic diseases. Last evaluated: 2021-11-10. Review status: criteria provided, single submitter. Criteria: Ambry Variant Classification Scheme 2023. Collection method: clinical testing. Allele origin: germline.

NM_000260.4(MYO7A):c.6547G>A (p.Glu2183Lys)

Gene: MYO7A (myosin VIIA; plus strand). Cytogenetic location: 11q13.5.
Variant type: single nucleotide variant.
Coding change: c.6547G>A on transcript NM_000260.4 (MANE Select); coding-DNA position 6547, G replaced by A.
Protein change: p.Glu2183Lys; replaces glutamic acid 2183 with lysine.
Molecular consequence: missense variant.
Genome position (GRCh38, 1-based): chr11:77,213,968, G>A. VCF-style: chr11-77213968-G-A. GRCh37 (hg19) VCF-style: chr11-76925013-G-A.
Other names: c.6427G>A, p.Glu2143Lys (NM_001127180.2); c.6400G>A, p.Glu2134Lys (NM_001369365.1); c.6547G>A (NM_000260.3); short protein forms E2134K, E2143K, E2183K.
Identifiers: ClinVar variation 1441925 (VCV001441925.7), dbSNP rs373761833, ClinGen allele CA6199106.